The following is an entry in ClinVar:

NM_015295.3(SMCHD1):c.5285G>A (p.Arg1762His)

Gene: SMCHD1 (structural maintenance of chromosomes flexible hinge domain containing 1; plus strand). Cytogenetic location: 18p11.32.
Variant type: single nucleotide variant.
Coding change: c.5285G>A on transcript NM_015295.3 (MANE Select); coding-DNA position 5285, G replaced by A.
Protein change: p.Arg1762His; replaces arginine 1762 with histidine.
Molecular consequence: missense variant.
Genome position (GRCh38, 1-based): chr18:2,775,843, G>A. VCF-style: chr18-2775843-G-A. GRCh37 (hg19) VCF-style: chr18-2775841-G-A.
Other names: c.5285G>A (NM_015295.2); short protein forms R1762H.
Identifiers: ClinVar variation 1912227 (VCV001912227.10), dbSNP rs1427732854, ClinGen allele CA401684870.

ClinVar aggregate classification (germline): Uncertain significance. Review status: criteria provided, multiple submitters, no conflicts (2 of 4 stars). 3 submissions from 3 submitters: Uncertain significance (3). Last evaluated 2026-05-23.

Conditions:
Facioscapulohumeral muscular dystrophy 2 (FSHD2). Also called: MUSCULAR DYSTROPHY, FACIOSCAPULOHUMERAL, TYPE 1B; FACIOSCAPULOHUMERAL MUSCULAR DYSTROPHY 2, DIGENIC; FSHD2, DIGENIC. Identifiers: Orphanet 269, MedGen C1834671, MONDO:0008031, OMIM 158901.
Inborn genetic diseases. Identifiers: MedGen C0950123, MeSH D030342.

Allele frequency attached by ClinVar (database versions not stated): TOPMed 0.00003.
gnomAD v4.1: 20 of 1,612,004 alleles (0.0012%); highest among the groups gnomAD compares: Admixed American, 0.0034%; no homozygotes.

Submissions (3):

Ambry Genetics
Classification: Uncertain significance for Inborn genetic diseases. Last evaluated: 2026-05-23. Review status: criteria provided, single submitter. Criteria: Ambry Variant Classification Scheme 2023. Collection method: clinical testing. Allele origin: germline.

Labcorp Genetics (formerly Invitae), Labcorp
Classification: Uncertain significance for Facioscapulohumeral muscular dystrophy 2. Last evaluated: 2024-12-16. Review status: criteria provided, single submitter. Criteria: Invitae Variant Classification Sherloc (09022015). Collection method: clinical testing. Allele origin: germline.
Comment: This sequence change replaces arginine, which is basic and polar, with histidine, which is basic and polar, at codon 1762 of the SMCHD1 protein (p.Arg1762His). This variant is not present in population databases (gnomAD no frequency). This variant has not been reported in the literature in individuals affected with SMCHD1-related conditions. ClinVar contains an entry for this variant (Variation ID: 1912227). Invitae Evidence Modeling of protein sequence and biophysical properties (such as structural, functional, and spatial information, amino acid conservation, physicochemical variation, residue mobility, and thermodynamic stability) indicates that this missense variant is not expected to disrupt SMCHD1 protein function with a negative predictive value of 80%. In summary, the available evidence is currently insufficient to determine the role of this variant in disease. Therefore, it has been classified as a Variant of Uncertain Significance.

Revvity Omics, Revvity
Classification: Uncertain significance. Last evaluated: 2019-03-21. Review status: criteria provided, single submitter. Criteria: ACMG Guidelines, 2015. Collection method: clinical testing. Allele origin: germline.